The following is an entry in ClinVar:

ClinVar aggregate classification (germline): Conflicting classifications of pathogenicity. Review status: criteria provided, conflicting classifications (1 of 4 stars). 3 submissions from 3 submitters: Uncertain significance (1); Likely benign (2). Last evaluated 2025-07-28.

Conditions:
Multicentric osteolysis nodulosis arthropathy spectrum. Identifiers: Orphanet 3460, Orphanet 371428, MedGen C1850155, MONDO:0018298.

Allele frequency attached by ClinVar (database versions not stated): gnomAD exomes 0.00007; ExAC 0.00009; gnomAD 0.00019 and 0.00021; TOPMed 0.00021; ESP Exome Variant Server 0.00031.
gnomAD v4.1: 110 of 1,614,012 alleles (0.0068%); highest among the groups gnomAD compares: African/African-American, 0.067%; no homozygotes.

Submissions (3):

Labcorp Genetics (formerly Invitae), Labcorp
Classification: Likely benign. Last evaluated: 2025-07-28. Review status: criteria provided, single submitter. Criteria: Invitae Variant Classification Sherloc (09022015). Collection method: clinical testing. Allele origin: germline.

CeGaT Center for Human Genetics Tuebingen
Classification: Likely benign. Last evaluated: 2023-10-01. Review status: criteria provided, single submitter. Criteria: CeGaT Center For Human Genetics Tuebingen Variant Classification Criteria Version 2. Collection method: clinical testing. Allele origin: germline. Affected: yes. Observed: 2 variant alleles.
Comment: MMP2: BP4, BP7

Illumina Laboratory Services, Illumina
Classification: Uncertain significance for Multicentric osteolysis, nodulosis, and arthropathy. Last evaluated: 2018-01-12. Review status: criteria provided, single submitter. Criteria: ICSL Variant Classification Criteria 13 December 2019. Collection method: clinical testing. Allele origin: germline.

NM_004530.6(MMP2):c.1572C>T (p.Tyr524=)

Gene: MMP2 (matrix metallopeptidase 2; plus strand). Cytogenetic location: 16q12.2.
Variant type: single nucleotide variant.
Coding change: c.1572C>T on transcript NM_004530.6 (MANE Select); coding-DNA position 1572, C replaced by T.
Protein change: p.Tyr524=; no amino-acid change (tyrosine 524 retained).
Molecular consequence: synonymous variant.
Genome position (GRCh38, 1-based): chr16:55,497,025, C>T. VCF-style: chr16-55497025-C-T. GRCh37 (hg19) VCF-style: chr16-55530937-C-T.
Other names: c.1422C>T, p.Tyr474= (NM_001127891.3); c.1344C>T, p.Tyr448= (NM_001302508.1, NM_001302509.2, NM_001302510.2).
Identifiers: ClinVar variation 319763 (VCV000319763.37), dbSNP rs374801798, ClinGen allele CA8060497.
Genomic context (GRCh38, chr16:55,497,025, plus strand): 5'-GGGGCCCCTGCTGGTGGCCACATTCTGGCCTGAGCTCCCGGAAAAGATTGATGCGGTATA[C>T]GAGGCCCCACAGGAGGAGAAGGCTGTGTTCTTTGCAGGTGTGTGGGAAGCACCCTTCCTT-3'
Protein context (NP_004521.1, residues 514-534): PELPEKIDAV[Tyr524=]EAPQEEKAVF